The following is an entry in ClinVar:

ClinVar aggregate classification (germline): Uncertain significance (1 of 4 stars; one submission).

Conditions:
Saldino-Mainzer syndrome (SRTD9). Also called: short-rib thoracic dysplasia 9 with or without polydactyly; CONORENAL SYNDROME; Renal dysplasia, retinal pigmentary dystrophy, cerebellar ataxia and skeletal dysplasia; SHORT-RIB THORACIC DYSPLASIA 9 WITHOUT POLYDACTYLY. Identifiers: Orphanet 140969, MedGen C1849437, MONDO:0009964, OMIM 266920.

gnomAD v4.1: 9 of 1,613,880 alleles (0.00056%); highest among the groups gnomAD compares: Non-Finnish European, 0.00068%; no homozygotes.

Submission:

Labcorp Genetics (formerly Invitae), Labcorp
Classification: Uncertain significance for Saldino-Mainzer syndrome. Last evaluated: 2022-03-29. Review status: criteria provided, single submitter. Criteria: Invitae Variant Classification Sherloc (09022015). Collection method: clinical testing. Allele origin: germline.
Comment: In summary, the available evidence is currently insufficient to determine the role of this variant in disease. Therefore, it has been classified as a Variant of Uncertain Significance. Algorithms developed to predict the effect of missense changes on protein structure and function (SIFT, PolyPhen-2, Align-GVGD) all suggest that this variant is likely to be tolerated. This variant has not been reported in the literature in individuals affected with IFT140-related conditions. This variant is not present in population databases (gnomAD no frequency). This sequence change replaces aspartic acid, which is acidic and polar, with alanine, which is neutral and non-polar, at codon 620 of the IFT140 protein (p.Asp620Ala).

NM_014714.4(IFT140):c.1859A>C (p.Asp620Ala)

Gene: IFT140 (intraflagellar transport 140; minus strand). Cytogenetic location: 16p13.3.
Variant type: single nucleotide variant.
Coding change: c.1859A>C on transcript NM_014714.4 (MANE Select); coding-DNA position 1859, A replaced by C.
Protein change: p.Asp620Ala; replaces aspartic acid 620 with alanine.
Molecular consequence: missense variant.
Genome position (GRCh38, 1-based): chr16:1,566,203, T>G on the plus strand (A>C on the coding strand, the complement: IFT140 is on the minus strand). VCF-style: chr16-1566203-T-G. GRCh37 (hg19) VCF-style: chr16-1616204-T-G.
Other names: short protein forms D620A.
Identifiers: ClinVar variation 2186167 (VCV002186167.4), dbSNP rs776705833, ClinGen allele CA394205944.